The following is an entry in ClinVar:

NM_017654.4(SAMD9):c.4166T>C (p.Ile1389Thr)

Gene: SAMD9 (sterile alpha motif domain containing 9; minus strand). Cytogenetic location: 7q21.2.
Variant type: single nucleotide variant.
Coding change: c.4166T>C on transcript NM_017654.4 (MANE Select); coding-DNA position 4166, T replaced by C.
Protein change: p.Ile1389Thr; replaces isoleucine 1389 with threonine.
Molecular consequence: missense variant.
Genome position (GRCh38, 1-based): chr7:93,101,932, A>G on the plus strand (T>C on the coding strand, the complement: SAMD9 is on the minus strand). VCF-style: chr7-93101932-A-G. GRCh37 (hg19) VCF-style: chr7-92731245-A-G.
Other names: c.4166T>C, p.Ile1389Thr (NM_001193307.2); short protein forms I1389T.
Identifiers: ClinVar variation 1337848 (VCV001337848.12), dbSNP rs369780909, ClinGen allele CA4342587.

ClinVar aggregate classification (germline): Uncertain significance. Review status: criteria provided, multiple submitters, no conflicts (2 of 4 stars). 5 submissions from 5 submitters: Uncertain significance (5). Last evaluated 2025-10-19.

Conditions:
SAMD9-related disorder. Also called: SAMD9-related condition.
Inborn genetic diseases. Identifiers: MedGen C0950123, MeSH D030342.

Allele frequency attached by ClinVar (database versions not stated): gnomAD exomes 0.00001 and 0.00004; TOPMed 0.00001; ExAC 0.00004.

Submissions (5):

Labcorp Genetics (formerly Invitae), Labcorp
Classification: Uncertain significance. Last evaluated: 2025-10-19. Review status: criteria provided, single submitter. Criteria: Invitae Variant Classification Sherloc (09022015). Collection method: clinical testing. Allele origin: germline.
Comment: This sequence change replaces isoleucine, which is neutral and non-polar, with threonine, which is neutral and polar, at codon 1389 of the SAMD9 protein (p.Ile1389Thr). This variant is present in population databases (rs369780909, gnomAD 0.04%). This variant has not been reported in the literature in individuals affected with SAMD9-related conditions. ClinVar contains an entry for this variant (Variation ID: 1337848). Invitae Evidence Modeling of protein sequence and biophysical properties (such as structural, functional, and spatial information, amino acid conservation, physicochemical variation, residue mobility, and thermodynamic stability) has been performed for this missense variant. However, the output from this modeling did not meet the statistical confidence thresholds required to predict the impact of this variant on SAMD9 protein function. In summary, the available evidence is currently insufficient to determine the role of this variant in disease. Therefore, it has been classified as a Variant of Uncertain Significance.

Ambry Genetics
Classification: Uncertain significance for Inborn genetic diseases. Last evaluated: 2024-12-25. Review status: criteria provided, single submitter. Criteria: Ambry Variant Classification Scheme 2023. Collection method: clinical testing. Allele origin: germline.
Comment: The p.I1389T variant (also known as c.4166T>C), located in coding exon 1 of the SAMD9 gene, results from a T to C substitution at nucleotide position 4166. The isoleucine at codon 1389 is replaced by threonine, an amino acid with similar properties. This amino acid position is conserved. In addition, the in silico prediction for this alteration is inconclusive. Based on the available evidence, the clinical significance of this variant remains unclear.

PreventionGenetics, part of Exact Sciences
Classification: Uncertain significance for SAMD9-related condition. Last evaluated: 2024-11-19. Review status: criteria provided, single submitter. Criteria: ACMG Guidelines, 2015. Collection method: clinical testing. Allele origin: germline.
Comment: The SAMD9 c.4166T>C variant is predicted to result in the amino acid substitution p.Ile1389Thr. To our knowledge, this variant has not been reported in the literature. This variant is reported in 0.049% of alleles in individuals of East Asian descent in gnomAD. At this time, the clinical significance of this variant is uncertain due to the absence of conclusive functional and genetic evidence.

GeneDx
Classification: Uncertain significance. Last evaluated: 2023-03-15. Review status: criteria provided, single submitter. Criteria: GeneDx Variant Classification Process June 2021. Collection method: clinical testing. Allele origin: germline. Affected: yes.
Comment: In silico analysis supports that this missense variant has a deleterious effect on protein structure/function; Has not been previously published as pathogenic or benign to our knowledge

Genetic Services Laboratory, University of Chicago
Classification: Uncertain significance. Last evaluated: 2021-03-05. Review status: criteria provided, single submitter. Criteria: ACMG Guidelines, 2015. Collection method: clinical testing. Allele origin: germline. Affected: no.
Comment: This sequence change does not appear to have been previously described in patients with SAMD9-related disorders and has been described in the gnomAD database with a low population frequency of 0.0044% (dbSNP rs369780909). The p.Ile1389Thr change affects a highly conserved amino acid residue located in a domain of the SAMD9 protein that is not known to be functional. In-silico pathogenicity prediction tools (SIFT, PolyPhen2, Align GVGD, REVEL) provide contradictory results for the p.Ile1389Thr substitution. Due to these contrasting evidences and the lack of functional studies, the clinical significance of the p.Ile1389Thr change remains unknown at this time.